The following is an entry in ClinVar:

NM_182931.3(KMT2E):c.4639CCACCTCCT[1] (p.Pro1550_Pro1552del)

Gene: KMT2E (lysine methyltransferase 2E (inactive); plus strand). Cytogenetic location: 7q22.3.
Variant type: Microsatellite.
Coding change: c.4639CCACCTCCT[1] on transcript NM_182931.3 (MANE Select); one copy of the 9-base unit CCACCTCCT starting at c.4639; the reference has two copies in a row; one copy, 9 bases deleted.
Protein change: p.Pro1550_Pro1552del.
Molecular consequence: inframe deletion. On other transcripts: inframe indel (1).
Genome position (GRCh38, 1-based): chr7:105,112,404-105,112,412, CCACCTCCT deleted; deleting any 9 consecutive bases within chr7:105,112,392-105,112,412 gives the same sequence; the position shown is the placement nearest the transcript's 3' end. VCF-style (leftmost placement, unchanged base first): chr7-105112391-CCCTCCACCT-C. GRCh37 (hg19) VCF-style: chr7-104752838-CCCTCCACCT-C.
Other names: c.4513_4521CCACCTCCT[1], p.Pro1508_Pro1510del (NM_001410908.1); c.4639CCACCTCCT[1], p.Pro1550_Pro1552del (NM_018682.4); c.4648_4656del9 (NM_182931.2).
Identifiers: ClinVar variation 2055092 (VCV002055092.7), dbSNP rs749591342, ClinGen allele CA4424794.

ClinVar aggregate classification (germline): Benign/Likely benign. Review status: criteria provided, multiple submitters, no conflicts (2 of 4 stars). 3 submissions from 3 submitters: Benign (1); Likely benign (1). 1 of the submissions does not count toward it. Last evaluated 2025-12-01.

Conditions:
KMT2E-related disorder. Also called: KMT2E-related condition.
Inborn genetic diseases. Identifiers: MedGen C0950123, MeSH D030342.

Submissions (3):

Labcorp Genetics (formerly Invitae), Labcorp
Classification: Benign. Last evaluated: 2025-12-01. Review status: criteria provided, single submitter. Criteria: Invitae Variant Classification Sherloc (09022015). Collection method: clinical testing. Allele origin: germline.

Ambry Genetics
Classification: Likely benign for Inborn genetic diseases. Last evaluated: 2021-06-17. Review status: criteria provided, single submitter. Criteria: Ambry Variant Classification Scheme 2023. Collection method: clinical testing. Allele origin: germline.

PreventionGenetics, part of Exact Sciences
Classification: Likely benign for KMT2E-related condition. Last evaluated: 2022-12-29. Review status: no assertion criteria provided. Collection method: clinical testing. Allele origin: germline. Not counted in ClinVar's aggregate classification.
Comment: This variant is classified as likely benign based on ACMG/AMP sequence variant interpretation guidelines (Richards et al. 2015 PMID: 25741868, with internal and published modifications).